The following is an entry in ClinVar:

NM_001080463.2(DYNC2H1):c.9839G>A (p.Trp3280Ter)

Gene: DYNC2H1 (dynein cytoplasmic 2 heavy chain 1; plus strand). Cytogenetic location: 11q22.3.
Variant type: single nucleotide variant.
Coding change: c.9839G>A on transcript NM_001080463.2 (MANE Plus Clinical); coding-DNA position 9839, G replaced by A.
Protein change: p.Trp3280Ter; replaces tryptophan 3280 with a stop codon.
Molecular consequence: nonsense. On other transcripts: intron variant (1).
Genome position (GRCh38, 1-based): chr11:103,241,546, G>A. VCF-style: chr11-103241546-G-A. GRCh37 (hg19) VCF-style: chr11-103112275-G-A.
Other names: c.9820-2147G>A (NM_001377.3); short protein forms W3280*.
Identifiers: ClinVar variation 567216 (VCV000567216.6), dbSNP rs1565423740, ClinGen allele CA382243562.

ClinVar aggregate classification (germline): Pathogenic (1 of 4 stars; one submission).

Conditions:
Jeune thoracic dystrophy. Also called: Short-rib thoracic dysplasia; Jeune syndrome; Infantile thoracic dystrophy; Thoracic pelvic phalangeal dystrophy; Jeune's syndrome; Chondroectodermal dysplasia-like syndrome. Identifiers: Orphanet 474, MedGen C0265275, MONDO:0018770.

Submission:

Labcorp Genetics (formerly Invitae), Labcorp
Classification: Pathogenic for Jeune thoracic dystrophy. Last evaluated: 2017-05-17. Review status: criteria provided, single submitter. Criteria: Invitae Variant Classification Sherloc (09022015). Collection method: clinical testing. Allele origin: germline.
Comment: This sequence change creates a premature translational stop signal (p.Trp3280*) in the DYNC2H1 gene. It is expected to result in an absent or disrupted protein product. This variant is not present in population databases (ExAC no frequency). This variant has not been reported in the literature in individuals with a DYNC2H1-related disease. Loss-of-function variants in DYNC2H1 are known to be pathogenic (PMID: 23339108, 23456818). For these reasons, this variant has been classified as Pathogenic.

Literature cited by the submitters: PubMed 23339108; PubMed 23456818.